The following is an entry in ClinVar:

ClinVar aggregate classification (germline): Uncertain significance (1 of 4 stars; one submission).

gnomAD v4.1: 2 of 1,612,794 alleles (0.00012%); highest among the groups gnomAD compares: Non-Finnish European, 0.00017%; no homozygotes.

Submission:

Labcorp Genetics (formerly Invitae), Labcorp
Classification: Uncertain significance. Last evaluated: 2025-06-24. Review status: criteria provided, single submitter. Criteria: Invitae Variant Classification Sherloc (09022015). Collection method: clinical testing. Allele origin: germline.
Comment: This sequence change replaces aspartic acid, which is acidic and polar, with valine, which is neutral and non-polar, at codon 3994 of the PCLO protein (p.Asp3994Val). This variant is present in population databases (rs757174097, gnomAD 0.0009%). This variant has not been reported in the literature in individuals affected with PCLO-related conditions. Experimental studies and prediction algorithms are not available or were not evaluated, and the functional significance of this variant is currently unknown. In summary, the available evidence is currently insufficient to determine the role of this variant in disease. Therefore, it has been classified as a Variant of Uncertain Significance.

NM_033026.6(PCLO):c.11981A>T (p.Asp3994Val)

Gene: PCLO (piccolo presynaptic cytomatrix protein; minus strand). Cytogenetic location: 7q21.11.
Variant type: single nucleotide variant.
Coding change: c.11981A>T on transcript NM_033026.6 (MANE Select); coding-DNA position 11981, A replaced by T.
Protein change: p.Asp3994Val; replaces aspartic acid 3994 with valine.
Molecular consequence: missense variant.
Genome position (GRCh38, 1-based): chr7:82,916,005, T>A on the plus strand (A>T on the coding strand, the complement: PCLO is on the minus strand). VCF-style: chr7-82916005-T-A. GRCh37 (hg19) VCF-style: chr7-82545321-T-A.
Other names: c.11981A>T, p.Asp3994Val (NM_014510.3); short protein forms D3994V.
Identifiers: ClinVar variation 4712156 (VCV004712156.1).